The following is an entry in ClinVar:

NM_001377275.1(PER3):c.2016G>C (p.Leu672Phe)

Genes: PER3 (period circadian regulator 3; plus strand), LOC126805604 (CDK7 strongly-dependent group 2 enhancer GRCh37_chr1:7886590-7887789; plus strand). Cytogenetic location: 1p36.23.
Variant type: single nucleotide variant.
Coding change: c.2016G>C on transcript NM_001377275.1 (MANE Select); coding-DNA position 2016, G replaced by C.
Protein change: p.Leu672Phe; replaces leucine 672 with phenylalanine.
Molecular consequence: missense variant.
Genome position (GRCh38, 1-based): chr1:7,826,538, G>C. VCF-style: chr1-7826538-G-C. GRCh37 (hg19) VCF-style: chr1-7886598-G-C.
Other names: c.1995G>C, p.Leu665Phe (NM_001438700.1, NM_001438703.1, NM_001438704.1 and 2 more transcripts); c.2016G>C, p.Leu672Phe (NM_001438701.1, NM_001438702.1, NM_001289861.2 and 2 more transcripts); c.1992G>C, p.Leu664Phe (NM_001438705.1, NM_001438706.1, NM_016831.4); c.1059G>C, p.Leu353Phe (NM_001289864.3); c.2013G>C, p.Leu671Phe (NM_001438696.1, NM_001438698.1); short protein forms L353F, L664F, L665F, L671F, L672F.
Identifiers: ClinVar variation 4871940 (VCV004871940.2).
Genomic context (GRCh38, chr1:7,826,538, plus strand): 5'-AGCCAGGGATGCTACCCTCTTCTGTGAGCCCTGGACCCTGAACATGCAGCCAGCCCCTTT[G>C]ACCTCGGAAGAATTTAAACACGTGGGGCTCACAGCGGCTGTTCTGTCAGCGCACACCCAG-3'
Protein context (NP_001364204.1, residues 662-682): PWTLNMQPAP[Leu672Phe]TSEEFKHVGL

ClinVar aggregate classification (germline): Likely benign (1 of 4 stars; one submission).

gnomAD v4.1: 9,411 of 1,613,982 alleles (0.58%); highest among the groups gnomAD compares: South Asian, 0.63%; 136 homozygotes.

Submission:

CeGaT Center for Human Genetics Tuebingen
Classification: Likely benign. Last evaluated: 2026-04-01. Review status: criteria provided, single submitter. Criteria: CeGaT Center For Human Genetics Tuebingen Variant Classification Criteria Version 2. Collection method: clinical testing. Allele origin: germline. Affected: yes. Observed: 1 variant allele.
Comment: PER3: BP4, BS2